The following is an entry in ClinVar:

NM_199355.4(ADAMTS18):c.3082G>A (p.Glu1028Lys)

Gene: ADAMTS18 (ADAM metallopeptidase with thrombospondin type 1 motif 18; minus strand). Cytogenetic location: 16q23.1.
Variant type: single nucleotide variant.
Coding change: c.3082G>A on transcript NM_199355.4 (MANE Select); coding-DNA position 3082, G replaced by A.
Protein change: p.Glu1028Lys; replaces glutamic acid 1028 with lysine.
Molecular consequence: missense variant.
Genome position (GRCh38, 1-based): chr16:77,293,183, C>T on the plus strand (G>A on the coding strand, the complement: ADAMTS18 is on the minus strand). VCF-style: chr16-77293183-C-T. GRCh37 (hg19) VCF-style: chr16-77327080-C-T.
Other names: c.2566G>A, p.Glu856Lys (NM_001326358.2); short protein forms E1028K, E856K.
Identifiers: ClinVar variation 1461960 (VCV001461960.8), dbSNP rs369984540, ClinGen allele CA8180618.

ClinVar aggregate classification (germline): Uncertain significance (1 of 4 stars; one submission).

Allele frequency attached by ClinVar (database versions not stated): gnomAD exomes below 0.00001 and 0.00002; gnomAD 0.00001; ExAC 0.00002; TOPMed 0.00002; ESP Exome Variant Server 0.00008.
gnomAD v4.1: 10 of 1,613,880 alleles (0.00062%); highest among the groups gnomAD compares: Middle Eastern, 0.016%; no homozygotes.

Submission:

Labcorp Genetics (formerly Invitae), Labcorp
Classification: Uncertain significance. Last evaluated: 2022-08-16. Review status: criteria provided, single submitter. Criteria: Invitae Variant Classification Sherloc (09022015). Collection method: clinical testing. Allele origin: germline.
Comment: ClinVar contains an entry for this variant (Variation ID: 1461960). This variant has not been reported in the literature in individuals affected with ADAMTS18-related conditions. Algorithms developed to predict the effect of missense changes on protein structure and function are either unavailable or do not agree on the potential impact of this missense change (SIFT: "Not Available"; PolyPhen-2: "Benign"; Align-GVGD: "Not Available"). This variant is present in population databases (rs369984540, gnomAD 0.005%). This sequence change replaces glutamic acid, which is acidic and polar, with lysine, which is basic and polar, at codon 1028 of the ADAMTS18 protein (p.Glu1028Lys). In summary, the available evidence is currently insufficient to determine the role of this variant in disease. Therefore, it has been classified as a Variant of Uncertain Significance.